The following is an entry in ClinVar:

ClinVar aggregate classification (germline): Uncertain significance (1 of 4 stars; one submission).

Conditions:
Glycogen storage disease, type VI (GSD6). Also called: Glycogen storage disease type 6; Hepatic glycogen phosphorylase deficiency; HERS DISEASE; PHOSPHORYLASE DEFICIENCY GLYCOGEN-STORAGE DISEASE OF LIVER; Glycogen storage disease type 6, due to phosphorylation; GSD VI. Identifiers: Orphanet 369, MedGen C0017925, MONDO:0009294, OMIM 232700.

Allele frequency attached by ClinVar (database versions not stated): gnomAD exomes below 0.00001 and 0.00001; TOPMed 0.00001.
gnomAD v4.1: 5 of 1,363,564 alleles (0.00037%); highest among the groups gnomAD compares: East Asian, 0.014%; no homozygotes.

Submission:

Labcorp Genetics (formerly Invitae), Labcorp
Classification: Uncertain significance for Glycogen storage disease, type VI. Last evaluated: 2021-08-31. Review status: criteria provided, single submitter. Criteria: Invitae Variant Classification Sherloc (09022015). Collection method: clinical testing. Allele origin: germline.
Comment: This sequence change replaces glutamic acid with lysine at codon 728 of the PYGL protein (p.Glu728Lys). The glutamic acid residue is weakly conserved and there is a small physicochemical difference between glutamic acid and lysine. This variant is not present in population databases (ExAC no frequency). This variant has not been reported in the literature in individuals affected with PYGL-related conditions. Advanced modeling of protein sequence and biophysical properties (such as structural, functional, and spatial information, amino acid conservation, physicochemical variation, residue mobility, and thermodynamic stability) performed at Invitae indicates that this missense variant is not expected to disrupt PYGL protein function. In summary, the available evidence is currently insufficient to determine the role of this variant in disease. Therefore, it has been classified as a Variant of Uncertain Significance.

NM_002863.5(PYGL):c.2182G>A (p.Glu728Lys)

Gene: PYGL (glycogen phosphorylase L; minus strand). Cytogenetic location: 14q22.1.
Variant type: single nucleotide variant.
Coding change: c.2182G>A on transcript NM_002863.5 (MANE Select); coding-DNA position 2182, G replaced by A.
Protein change: p.Glu728Lys; replaces glutamic acid 728 with lysine.
Molecular consequence: missense variant.
Genome position (GRCh38, 1-based): chr14:50,908,951, C>T on the plus strand (G>A on the coding strand, the complement: PYGL is on the minus strand). VCF-style: chr14-50908951-C-T. GRCh37 (hg19) VCF-style: chr14-51375669-C-T.
Other names: c.2080G>A, p.Glu694Lys (NM_001163940.2); short protein forms E728K, E694K.
Identifiers: ClinVar variation 1398593 (VCV001398593.5), dbSNP rs535447490, ClinGen allele CA260820841.